The following is an entry in ClinVar:

ClinVar aggregate classification (germline): Likely benign (0 of 4 stars; one submission).

Conditions:
PHIP-related disorder. Also called: PHIP-related condition; PHIP-related disorders.

gnomAD v4.1: 36 of 1,611,068 alleles (0.0022%); highest among the groups gnomAD compares: Non-Finnish European, 0.003%; no homozygotes.

Submission:

PreventionGenetics, part of Exact Sciences
Classification: Likely benign for PHIP-related condition. Last evaluated: 2024-06-01. Review status: no assertion criteria provided. Collection method: clinical testing. Allele origin: germline.
Comment: This variant is classified as likely benign based on ACMG/AMP sequence variant interpretation guidelines (Richards et al. 2015 PMID: 25741868, with internal and published modifications).

NM_017934.7(PHIP):c.3471T>C (p.Gly1157=)

Genes: IRAK1BP1 (interleukin 1 receptor associated kinase 1 binding protein 1; plus strand), PHIP (PHIP subunit of CUL4-Ring ligase complex; minus strand). Cytogenetic location: 6q14.1.
Variant type: single nucleotide variant.
Coding change: c.3471T>C on transcript NM_017934.7 (MANE Select); coding-DNA position 3471, T replaced by C.
Protein change: p.Gly1157=; no amino-acid change (glycine 1157 retained).
Molecular consequence: synonymous variant.
Genome position (GRCh38, 1-based): chr6:78,963,161, A>G on the plus strand (T>C on the coding strand, the complement: PHIP is on the minus strand). VCF-style: chr6-78963161-A-G. GRCh37 (hg19) VCF-style: chr6-79672878-A-G.
Identifiers: ClinVar variation 3354118 (VCV003354118.1).
Genomic context (GRCh38, chr6:78,963,161, plus strand): 5'-TGTCATCAACTGGTTTATTCCTGCCACAATTCTTTCACATTCTTCATCCCTGGGATTGGT[A>G]CCCCATTCTCCATCAAGAGGTTTATAGATTAGTGATCTGCACTCACCATCAGTTAAAGGA-3'
Protein context (NP_060404.4, residues 1147-1167): LIYKPLDGEW[Gly1157=]TNPRDEECER